The following is an entry in ClinVar:

Conditions:
Long QT syndrome 5 (LQT5). Identifiers: Orphanet 101016, Orphanet 768, MedGen C1867904, MONDO:0013372, OMIM 613695.

Submission:

Roden Lab, Vanderbilt University Medical Center
No classification provided (evidence only). Condition: Long QT syndrome 5. Review status: no classification provided. Collection method: in vitro. Allele origin: not applicable. Functional consequence: Effect on ion channel function.
ClinVar note: "not provided" was previously submitted as the classification for the variant. However, the classification appeared to be based only on an observation of functional data so it was converted to no classification on 2025-07-30.

NM_000219.6(KCNE1):c.254A>T (p.Asp85Val)

Gene: KCNE1 (potassium voltage-gated channel subfamily E regulatory subunit 1; minus strand). Cytogenetic location: 21q22.12.
Variant type: single nucleotide variant.
Coding change: c.254A>T on transcript NM_000219.6 (MANE Select); coding-DNA position 254, A replaced by T.
Protein change: p.Asp85Val; replaces aspartic acid 85 with valine.
Molecular consequence: missense variant.
Genome position (GRCh38, 1-based): chr21:34,449,381, T>A on the plus strand (A>T on the coding strand, the complement: KCNE1 is on the minus strand). VCF-style: chr21-34449381-T-A. GRCh37 (hg19) VCF-style: chr21-35821679-T-A.
Other names: c.254A>T, p.Asp85Val (NM_001127668.4, NM_001127669.4, NM_001127670.4 and 4 more transcripts); short protein forms D85V.
Identifiers: ClinVar variation 3374450 (VCV003374450.2).